The following is an entry in ClinVar:

ClinVar aggregate classification (germline): Uncertain significance (1 of 4 stars; one submission).

Conditions:
Atypical glycine encephalopathy. Also called: Glycine encephalopathy with normal serum glycine. Identifiers: Orphanet 289863, MedGen C4310943, MONDO:0015010, OMIM 617301.

Allele frequency attached by ClinVar (database versions not stated): TOPMed below 0.00001; gnomAD 0.00002; gnomAD exomes 0.00002.

Submission:

Labcorp Genetics (formerly Invitae), Labcorp
Classification: Uncertain significance for Atypical glycine encephalopathy. Last evaluated: 2023-10-03. Review status: criteria provided, single submitter. Criteria: Invitae Variant Classification Sherloc (09022015). Collection method: clinical testing. Allele origin: germline.
Comment: This sequence change replaces arginine, which is basic and polar, with cysteine, which is neutral and slightly polar, at codon 12 of the SLC6A9 protein (p.Arg12Cys). This variant is present in population databases (rs201151238, gnomAD 0.0009%). This variant has not been reported in the literature in individuals affected with SLC6A9-related conditions. ClinVar contains an entry for this variant (Variation ID: 1912912). Algorithms developed to predict the effect of missense changes on protein structure and function output the following: SIFT: "Not Available"; PolyPhen-2: "Benign"; Align-GVGD: "Not Available". The cysteine amino acid residue is found in multiple mammalian species, which suggests that this missense change does not adversely affect protein function. In summary, the available evidence is currently insufficient to determine the role of this variant in disease. Therefore, it has been classified as a Variant of Uncertain Significance.

NM_001024845.3(SLC6A9):c.31-6218C>T

Gene: SLC6A9 (solute carrier family 6 member 9; minus strand). Cytogenetic location: 1p34.1.
Variant type: single nucleotide variant.
Coding change: c.31-6218C>T on transcript NM_001024845.3 (MANE Select); 6218 bases into the intron before coding-DNA position 31, C replaced by T.
Molecular consequence: intron variant. On other transcripts: missense variant (5), non-coding transcript variant (1).
Genome position (GRCh38, 1-based): chr1:44,017,100, G>A on the plus strand (C>T on the coding strand, the complement: SLC6A9 is on the minus strand). VCF-style: chr1-44017100-G-A. GRCh37 (hg19) VCF-style: chr1-44482772-G-A.
Other names: c.34C>T, p.Arg12Cys (NM_001261380.2, NM_006934.4, NM_201649.4); c.71C>T, p.Ser24Leu (NM_001328627.1, NM_001328628.1); c.-15+7148C>T (NM_001328630.2, NM_001328626.2); c.31-6218C>T (NM_001328629.1); short protein forms R12C, S24L.
Identifiers: ClinVar variation 1912912 (VCV001912912.3), dbSNP rs201151238, ClinGen allele CA21723231.